The following is an entry in ClinVar:

NM_206933.4(USH2A):c.11638dup (p.Ser3880fs)

Gene: USH2A (usherin; minus strand). Cytogenetic location: 1q41.
Variant type: Duplication.
Coding change: c.11638dup on transcript NM_206933.4 (MANE Select); coding-DNA position 11638, one base duplicated (T; older notation c.11638dupT).
Protein change: p.Ser3880fs; shifts the reading frame from serine 3880.
Molecular consequence: frameshift variant.
Genome position (GRCh38, 1-based): chr1:215,741,448, A duplicated on the plus strand (T on the coding strand, the reverse complement: USH2A is on the minus strand). VCF-style (leftmost placement, unchanged base first): chr1-215741447-G-GA. GRCh37 (hg19) VCF-style: chr1-215914789-G-GA.
Other names: short protein forms S3880fs.
Identifiers: ClinVar variation 5004378 (VCV005004378.1).

ClinVar aggregate classification (germline): Pathogenic (1 of 4 stars; one submission).

Conditions:
USH2A-related disorder. Also called: USH2A-related condition; USH2A-related disorders. Identifiers: MedGen CN239332.

Submission:

Myriad Genetics, Inc.
Classification: Pathogenic for USH2A-related disorder. Last evaluated: 2026-01-08. Review status: criteria provided, single submitter. Criteria: Myriad Autosomal Dominant, Autosomal Recessive and X-Linked Classification Criteria (2023). Collection method: clinical testing. Allele origin: unknown.
Comment: NM_206933.2(USH2A):c.11638dupT(S3880Ffs*7) is a frameshift variant classified as pathogenic in the context of USH2A-related disorders. S3880Ffs*7 has not been observed in cases with relevant disease. Relevant functional assessments of this variant are not available in the literature. S3880Ffs*7 has not been observed in referenced population frequency databases. In summary, NM_206933.2(USH2A):c.11638dupT(S3880Ffs*7) is a frameshift variant in a gene where loss of function is a known mechanism of disease and is predicted to disrupt protein function. Please note: this variant was assessed in the context of healthy population screening.